The following is an entry in ClinVar:

NM_000219.6(KCNE1):c.94C>A (p.Arg32Ser)

Gene: KCNE1 (potassium voltage-gated channel subfamily E regulatory subunit 1; minus strand). Cytogenetic location: 21q22.12.
Variant type: single nucleotide variant.
Coding change: c.94C>A on transcript NM_000219.6 (MANE Select); coding-DNA position 94, C replaced by A.
Protein change: p.Arg32Ser; replaces arginine 32 with serine.
Molecular consequence: missense variant.
Genome position (GRCh38, 1-based): chr21:34,449,541, G>T on the plus strand (C>A on the coding strand, the complement: KCNE1 is on the minus strand). VCF-style: chr21-34449541-G-T. GRCh37 (hg19) VCF-style: chr21-35821839-G-T.
Other names: c.94C>A, p.Arg32Ser (NM_001127668.4, NM_001127669.4, NM_001127670.4 and 4 more transcripts); short protein forms R32S.
Identifiers: ClinVar variation 3374031 (VCV003374031.2).

Conditions:
Long QT syndrome 5 (LQT5). Identifiers: Orphanet 101016, Orphanet 768, MedGen C1867904, MONDO:0013372, OMIM 613695.

Submission:

Roden Lab, Vanderbilt University Medical Center
No classification provided (evidence only). Condition: Long QT syndrome 5. Review status: no classification provided. Collection method: in vitro. Allele origin: not applicable. Functional consequence: Effect on ion channel function.
ClinVar note: "not provided" was previously submitted as the classification for the variant. However, the classification appeared to be based only on an observation of functional data so it was converted to no classification on 2025-07-30.